The following is an entry in ClinVar:

NM_000219.6(KCNE1):c.122A>G (p.Lys41Arg)

Gene: KCNE1 (potassium voltage-gated channel subfamily E regulatory subunit 1; minus strand). Cytogenetic location: 21q22.12.
Variant type: single nucleotide variant.
Coding change: c.122A>G on transcript NM_000219.6 (MANE Select); coding-DNA position 122, A replaced by G.
Protein change: p.Lys41Arg; replaces lysine 41 with arginine.
Molecular consequence: missense variant.
Genome position (GRCh38, 1-based): chr21:34,449,513, T>C on the plus strand (A>G on the coding strand, the complement: KCNE1 is on the minus strand). VCF-style: chr21-34449513-T-C. GRCh37 (hg19) VCF-style: chr21-35821811-T-C.
Other names: c.122A>G, p.Lys41Arg (NM_001127668.4, NM_001127669.4, NM_001127670.4 and 4 more transcripts); short protein forms K41R.
Identifiers: ClinVar variation 3374103 (VCV003374103.2).

Conditions:
Long QT syndrome 5 (LQT5). Identifiers: Orphanet 101016, Orphanet 768, MedGen C1867904, MONDO:0013372, OMIM 613695.

Submission:

Roden Lab, Vanderbilt University Medical Center
No classification provided (evidence only). Condition: Long QT syndrome 5. Review status: no classification provided. Collection method: in vitro. Allele origin: not applicable. Functional consequence: Effect on ion channel function.
ClinVar note: "not provided" was previously submitted as the classification for the variant. However, the classification appeared to be based only on an observation of functional data so it was converted to no classification on 2025-07-30.